The following is an entry in ClinVar:

ClinVar aggregate classification (germline): Pathogenic (1 of 4 stars; one submission).

Conditions:
Townes syndrome (TBS). Also called: Townes-Brocks syndrome. Identifiers: Orphanet 857, MedGen C0265246, MeSH C536974, MONDO:0007142.

Submission:

Labcorp Genetics (formerly Invitae), Labcorp
Classification: Pathogenic for Townes syndrome. Last evaluated: 2017-08-17. Review status: criteria provided, single submitter. Criteria: Invitae Variant Classification Sherloc (09022015). Collection method: clinical testing. Allele origin: germline.
Comment: This sequence change creates a premature translational stop signal (p.Arg786Glufs*36) in the SALL1 gene. It is expected to result in an absent or disrupted protein product. This variant is not present in population databases (ExAC no frequency). This variant has not been reported in the literature in individuals with SALL1-related disease. Loss-of-function variants in SALL1 are known to be pathogenic (PMID: 9973281, 16088922, 23069192). For these reasons, this variant has been classified as Pathogenic.

Literature cited by the submitters: PubMed 9973281; PubMed 16088922; PubMed 23069192.

NM_002968.3(SALL1):c.2356del (p.Arg786fs)

Gene: SALL1 (spalt like transcription factor 1; minus strand). Cytogenetic location: 16q12.1.
Variant type: Deletion.
Coding change: c.2356del on transcript NM_002968.3 (MANE Select); coding-DNA position 2356, one base deleted (C; older notation c.2356delC).
Protein change: p.Arg786fs; shifts the reading frame from arginine 786.
Molecular consequence: frameshift variant.
Genome position (GRCh38, 1-based): chr16:51,139,866, G deleted on the plus strand (C on the coding strand, the reverse complement: SALL1 is on the minus strand); the first of 2 consecutive G bases (chr16:51,139,866-51,139,867); deleting either gives the same sequence. VCF-style (leftmost placement, unchanged base first): chr16-51139865-CG-C. GRCh37 (hg19) VCF-style: chr16-51173776-CG-C.
Other names: c.2065del, p.Arg689fs (NM_001127892.2); c.2356delC (NM_002968.2); short protein forms R689fs, R786fs.
Identifiers: ClinVar variation 528881 (VCV000528881.2), dbSNP rs1555475106, ClinGen allele CA658798603.